The following is an entry in ClinVar:

NM_138576.4(BCL11B):c.1437C>T (p.His479=)

Gene: BCL11B (BCL11 transcription factor B; minus strand). Cytogenetic location: 14q32.2.
Variant type: single nucleotide variant.
Coding change: c.1437C>T on transcript NM_138576.4 (MANE Select); coding-DNA position 1437, C replaced by T.
Protein change: p.His479=; no amino-acid change (histidine 479 retained).
Molecular consequence: synonymous variant.
Genome position (GRCh38, 1-based): chr14:99,175,399, G>A on the plus strand (C>T on the coding strand, the complement: BCL11B is on the minus strand). VCF-style: chr14-99175399-G-A. GRCh37 (hg19) VCF-style: chr14-99641736-G-A.
Other names: c.1434C>T, p.His478= (NM_001282237.2); c.1221C>T, p.His407= (NM_001282238.2); c.1224C>T, p.His408= (NM_022898.3).
Identifiers: ClinVar variation 707932 (VCV000707932.33), dbSNP rs147218517, ClinGen allele CA7339673.

ClinVar aggregate classification (germline): Benign/Likely benign. Review status: criteria provided, multiple submitters, no conflicts (2 of 4 stars). 3 submissions from 3 submitters: Benign (1); Likely benign (2). Last evaluated 2026-01-21.

Allele frequency attached by ClinVar (database versions not stated): gnomAD 0.00212; ESP Exome Variant Server 0.00246; TOPMed 0.00255; 1000 Genomes Project 0.00260; 1000 Genomes Project 30x 0.00265.
gnomAD v4.1: 660 of 1,605,702 alleles (0.041%); highest among the groups gnomAD compares: African/African-American, 0.79%; 4 homozygotes.

Submissions (3):

Labcorp Genetics (formerly Invitae), Labcorp
Classification: Benign. Last evaluated: 2026-01-21. Review status: criteria provided, single submitter. Criteria: Invitae Variant Classification Sherloc (09022015). Collection method: clinical testing. Allele origin: germline.

Blueprint Genetics
Classification: Likely benign. Last evaluated: 2024-09-12. Review status: criteria provided, single submitter. Criteria: ACMG Guidelines, 2015. Collection method: clinical testing. Allele origin: germline.

CeGaT Center for Human Genetics Tuebingen
Classification: Likely benign. Last evaluated: 2022-11-01. Review status: criteria provided, single submitter. Criteria: CeGaT Center For Human Genetics Tuebingen Variant Classification Criteria Version 2. Collection method: clinical testing. Allele origin: germline. Affected: yes. Observed: 1 variant allele.
Comment: BCL11B: BP4, BP7, BS1